The following is an entry in ClinVar:

ClinVar aggregate classification (germline): Uncertain significance (1 of 4 stars; one submission).

Conditions:
Genitopatellar syndrome (GTPTS). Also called: Genitopatellar syndrome (GPS); ABSENT PATELLAE, SCROTAL HYPOPLASIA, RENAL ANOMALIES, FACIAL DYSMORPHISM, AND MENTAL RETARDATION. Identifiers: Orphanet 85201, MedGen C1853566, MONDO:0011640, OMIM 606170.

Submission:

Labcorp Genetics (formerly Invitae), Labcorp
Classification: Uncertain significance for Genitopatellar syndrome. Last evaluated: 2023-01-28. Review status: criteria provided, single submitter. Criteria: Invitae Variant Classification Sherloc (09022015). Collection method: clinical testing. Allele origin: germline.
Comment: This variant has not been reported in the literature in individuals affected with KAT6B-related conditions. In summary, the available evidence is currently insufficient to determine the role of this variant in disease. Therefore, it has been classified as a Variant of Uncertain Significance. Algorithms developed to predict the effect of missense changes on protein structure and function (SIFT, PolyPhen-2, Align-GVGD) all suggest that this variant is likely to be tolerated. This variant is not present in population databases (gnomAD no frequency). This sequence change replaces glutamic acid, which is acidic and polar, with aspartic acid, which is acidic and polar, at codon 1086 of the KAT6B protein (p.Glu1086Asp).

NM_012330.4(KAT6B):c.3258A>T (p.Glu1086Asp)

Gene: KAT6B (lysine acetyltransferase 6B; plus strand). Cytogenetic location: 10q22.2.
Variant type: single nucleotide variant.
Coding change: c.3258A>T on transcript NM_012330.4 (MANE Select); coding-DNA position 3258, A replaced by T.
Protein change: p.Glu1086Asp; replaces glutamic acid 1086 with aspartic acid.
Molecular consequence: missense variant.
Genome position (GRCh38, 1-based): chr10:75,022,117, A>T. VCF-style: chr10-75022117-A-T. GRCh37 (hg19) VCF-style: chr10-76781875-A-T.
Other names: c.2709A>T, p.Glu903Asp (NM_001256468.2, NM_001370138.1); c.2382A>T, p.Glu794Asp (NM_001256469.2, NM_001370139.1, NM_001370140.1 and 2 more transcripts); c.2220A>T, p.Glu740Asp (NM_001370132.1); c.1569A>T, p.Glu523Asp (NM_001370133.1); c.1173A>T, p.Glu391Asp (NM_001370134.1); c.915A>T, p.Glu305Asp (NM_001370135.1); c.3258A>T, p.Glu1086Asp (NM_001370136.1, NM_001370137.1); c.2193A>T, p.Glu731Asp (NM_001370143.1, NM_001370144.1); short protein forms E305D, E1086D, E731D, E740D, E391D, E794D, E523D, E903D.
Identifiers: ClinVar variation 2172432 (VCV002172432.4), dbSNP rs754680177, ClinGen allele CA377284530.